The following is an entry in ClinVar:

ClinVar aggregate classification (germline): Uncertain significance (1 of 4 stars; one submission).

gnomAD v4.1: 1 of 1,614,016 alleles (0.000062%); highest among the groups gnomAD compares: Non-Finnish European, 0.000085%; no homozygotes.

Submission:

GeneDx
Classification: Uncertain significance. Last evaluated: 2023-07-18. Review status: criteria provided, single submitter. Criteria: GeneDx Variant Classification Process June 2021. Collection method: clinical testing. Allele origin: germline. Affected: yes.
Comment: Has not been previously published as pathogenic or benign to our knowledge; Not observed at significant frequency in large population cohorts (gnomAD); In silico analysis supports that this missense variant has a deleterious effect on protein structure/function

NM_015335.5(MED13L):c.1642C>T (p.Pro548Ser)

Gene: MED13L (mediator complex subunit 13L; minus strand). Cytogenetic location: 12q24.21.
Variant type: single nucleotide variant.
Coding change: c.1642C>T on transcript NM_015335.5 (MANE Select); coding-DNA position 1642, C replaced by T.
Protein change: p.Pro548Ser; replaces proline 548 with serine.
Molecular consequence: missense variant.
Genome position (GRCh38, 1-based): chr12:116,008,771, G>A on the plus strand (C>T on the coding strand, the complement: MED13L is on the minus strand). VCF-style: chr12-116008771-G-A. GRCh37 (hg19) VCF-style: chr12-116446576-G-A.
Other names: short protein forms P548S.
Identifiers: ClinVar variation 3361266 (VCV003361266.1).